The following is an entry in ClinVar:

NM_025137.4(SPG11):c.3250G>A (p.Ala1084Thr)

Gene: SPG11 (SPG11 vesicle trafficking associated, spatacsin; minus strand). Cytogenetic location: 15q21.1.
Variant type: single nucleotide variant.
Coding change: c.3250G>A on transcript NM_025137.4 (MANE Select); coding-DNA position 3250, G replaced by A.
Protein change: p.Ala1084Thr; replaces alanine 1084 with threonine.
Molecular consequence: missense variant.
Genome position (GRCh38, 1-based): chr15:44,610,881, C>T on the plus strand (G>A on the coding strand, the complement: SPG11 is on the minus strand). VCF-style: chr15-44610881-C-T. GRCh37 (hg19) VCF-style: chr15-44903079-C-T.
Other names: c.3250G>A, p.Ala1084Thr (NM_001160227.2, NM_001411132.1); short protein forms A1084T.
Identifiers: ClinVar variation 1716507 (VCV001716507.6), dbSNP rs2505482018, ClinGen allele CA392226522.

ClinVar aggregate classification (germline): Uncertain significance (1 of 4 stars; one submission).

Conditions:
Hereditary spastic paraplegia 11. Also called: Nakamura Osame syndrome; Autosomal recessive hereditary spastic paraplegia, mental impairment, and thin corpus callosum; Spastic paraplegia, mental retardation and thin corpus callosum; SPASTIC PARAPLEGIA, AUTOSOMAL RECESSIVE, COMPLICATED, WITH THIN CORPUS CALLOSUM; SPASTIC PARAPLEGIA, AUTOSOMAL RECESSIVE, WITH MENTAL IMPAIRMENT AND THIN CORPUS CALLOSUM; Spastic Paraplegia 11. Identifiers: Orphanet 2822, MedGen C1858479, MONDO:0011445, OMIM 604360.

Submission:

Labcorp Genetics (formerly Invitae), Labcorp
Classification: Uncertain significance for Hereditary spastic paraplegia 11. Last evaluated: 2022-11-01. Review status: criteria provided, single submitter. Criteria: Invitae Variant Classification Sherloc (09022015). Collection method: clinical testing. Allele origin: germline.
Comment: In summary, the available evidence is currently insufficient to determine the role of this variant in disease. Therefore, it has been classified as a Variant of Uncertain Significance. Advanced modeling of protein sequence and biophysical properties (such as structural, functional, and spatial information, amino acid conservation, physicochemical variation, residue mobility, and thermodynamic stability) has been performed at Invitae for this missense variant, however the output from this modeling did not meet the statistical confidence thresholds required to predict the impact of this variant on SPG11 protein function. This variant has not been reported in the literature in individuals affected with SPG11-related conditions. This variant is not present in population databases (gnomAD no frequency). This sequence change replaces alanine, which is neutral and non-polar, with threonine, which is neutral and polar, at codon 1084 of the SPG11 protein (p.Ala1084Thr).